The following is an entry in ClinVar:

NM_001267550.2(TTN):c.106583T>C (p.Ile35528Thr)

Genes: TTN (titin; minus strand), TTN-AS1 (TTN antisense RNA 1; plus strand). Cytogenetic location: 2q31.2.
Variant type: single nucleotide variant.
Coding change: c.106583T>C on transcript NM_001267550.2 (MANE Select); coding-DNA position 106583, T replaced by C.
Protein change: p.Ile35528Thr; replaces isoleucine 35528 with threonine.
Molecular consequence: missense variant.
Genome position (GRCh38, 1-based): chr2:178,529,168, A>G on the plus strand (T>C on the coding strand, the complement: TTN is on the minus strand). VCF-style: chr2-178529168-A-G. GRCh37 (hg19) VCF-style: chr2-179393895-A-G.
Other names: c.101660T>C, p.Ile33887Thr (NM_001256850.1); c.79388T>C, p.Ile26463Thr (NM_003319.4); c.98879T>C, p.Ile32960Thr (NM_133378.4); c.79763T>C, p.Ile26588Thr (NM_133432.3); c.79964T>C, p.Ile26655Thr (NM_133437.4); short protein forms I26588T, I33887T, I26655T, I32960T, I35528T, I26463T.
Identifiers: ClinVar variation 1761302 (VCV001761302.2), dbSNP rs1687866124, ClinGen allele CA349404278.

ClinVar aggregate classification (germline): Uncertain significance (1 of 4 stars; one submission).

Conditions:
Cardiovascular phenotype. Identifiers: MedGen CN230736.

Submission:

Ambry Genetics
Classification: Uncertain significance for Cardiovascular phenotype. Last evaluated: 2020-05-06. Review status: criteria provided, single submitter. Criteria: Ambry Variant Classification Scheme 2023. Collection method: clinical testing. Allele origin: germline.
Comment: The p.I26463T variant (also known as c.79388T>C), located in coding exon 187 of the TTN gene, results from a T to C substitution at nucleotide position 79388. The isoleucine at codon 26463 is replaced by threonine, an amino acid with similar properties. This amino acid position is poorly conserved in available vertebrate species. In addition, this alteration is predicted to be tolerated by in silico analysis. Since supporting evidence is limited at this time, the clinical significance of this alteration remains unclear.